The following is an entry in ClinVar:

NM_012232.6(CAVIN1):c.*462C>T

Gene: CAVIN1 (caveolae associated protein 1; minus strand). Cytogenetic location: 17q21.2.
Variant type: single nucleotide variant.
Coding change: c.*462C>T on transcript NM_012232.6 (MANE Select); 462 bases downstream of the stop codon, C replaced by T.
Molecular consequence: 3 prime UTR variant.
Genome position (GRCh38, 1-based): chr17:42,404,225, G>A on the plus strand (C>T on the coding strand, the complement: CAVIN1 is on the minus strand). VCF-style: chr17-42404225-G-A. GRCh37 (hg19) VCF-style: chr17-40556243-G-A.
Identifiers: ClinVar variation 889775 (VCV000889775.5), dbSNP rs111860392, ClinGen allele CA14421167.

ClinVar aggregate classification (germline): Benign. Review status: criteria provided, multiple submitters, no conflicts (2 of 4 stars). 2 submissions from 2 submitters: Benign (2). Last evaluated 2017-04-27.

Conditions:
Congenital generalized lipodystrophy type 4. Also called: BERARDINELLI-SEIP CONGENITAL LIPODYSTROPHY, TYPE 4, WITH MUSCULAR DYSTROPHY. Identifiers: Orphanet 228429, MedGen C2750069, MONDO:0013225, OMIM 613327.

Allele frequency attached by ClinVar (database versions not stated): gnomAD exomes 0.02153; gnomAD 0.02203 and 0.02222; 1000 Genomes Project 30x 0.00999; TOPMed 0.01850; 1000 Genomes Project 0.00958.
gnomAD v4.1: 3,389 of 154,762 alleles (2.2%); highest among the groups gnomAD compares: Middle Eastern, 3.4%; 53 homozygotes.

Submissions (2):

Illumina Laboratory Services, Illumina
Classification: Benign for Congenital generalized lipodystrophy type 4. Last evaluated: 2017-04-27. Review status: criteria provided, single submitter. Criteria: ICSL Variant Classification Criteria 13 December 2019. Collection method: clinical testing. Allele origin: germline.
Comment: This variant was observed as part of a predisposition screen in an ostensibly healthy population. A literature search was performed for the gene, cDNA change, and amino acid change (where applicable). No publications were found based on this search. Allele frequency data from public databases was too high to be consistent with this variant causing disease. Therefore, this variant is classified as benign.

Breakthrough Genomics
Classification: Benign. Review status: criteria provided, single submitter. Criteria: ACMG Guidelines, 2015. Collection method: not provided. Allele origin: germline. Inheritance: Autosomal recessive inheritance. Affected: yes.